The following is an entry in ClinVar:

NM_001220.5(CAMK2B):c.89G>A (p.Arg30His)

Gene: CAMK2B (calcium/calmodulin dependent protein kinase II beta; minus strand). Cytogenetic location: 7p13.
Variant type: single nucleotide variant.
Coding change: c.89G>A on transcript NM_001220.5 (MANE Select); coding-DNA position 89, G replaced by A.
Protein change: p.Arg30His; replaces arginine 30 with histidine.
Molecular consequence: missense variant.
Genome position (GRCh38, 1-based): chr7:44,284,202, C>T on the plus strand (G>A on the coding strand, the complement: CAMK2B is on the minus strand). VCF-style: chr7-44284202-C-T. GRCh37 (hg19) VCF-style: chr7-44323801-C-T.
Other names: c.89G>A, p.Arg30His (NM_001293170.2, NM_172078.3, NM_172079.3 and 5 more transcripts); short protein forms R30H.
Identifiers: ClinVar variation 1373412 (VCV001373412.8), dbSNP rs2129103901, ClinGen allele CA367379918.
Genomic context (GRCh38, chr7:44,284,202, plus strand): 5'-AGCTTCTTGGTGTTGATGATCTTGGCTGCATACTCATGGCCGGTGCAGAGCTTGACACAG[C>T]GTCGGACCACAGAGAAAGCCCCCCTGGGGAGGAAAATGGGGGAGCGAGAGACAGAGACAG-3'
Protein context (NP_001211.3, residues 20-40): IGKGAFSVVR[Arg30His]CVKLCTGHEY

ClinVar aggregate classification (germline): Uncertain significance (1 of 4 stars; one submission).

gnomAD v4.1: 4 of 1,613,294 alleles (0.00025%); highest among the groups gnomAD compares: Non-Finnish European, 0.00017%; no homozygotes.

Submission:

Labcorp Genetics (formerly Invitae), Labcorp
Classification: Uncertain significance. Last evaluated: 2024-08-15. Review status: criteria provided, single submitter. Criteria: Invitae Variant Classification Sherloc (09022015). Collection method: clinical testing. Allele origin: germline.
Comment: This sequence change replaces arginine, which is basic and polar, with histidine, which is basic and polar, at codon 30 of the CAMK2B protein (p.Arg30His). This variant is not present in population databases (gnomAD no frequency). This variant has not been reported in the literature in individuals affected with CAMK2B-related conditions. ClinVar contains an entry for this variant (Variation ID: 1373412). An algorithm developed to predict the effect of missense changes on protein structure and function (PolyPhen-2) suggests that this variant is likely to be disruptive. In summary, the available evidence is currently insufficient to determine the role of this variant in disease. Therefore, it has been classified as a Variant of Uncertain Significance.